The following is an entry in ClinVar:

ClinVar aggregate classification (germline): Likely benign (1 of 4 stars; one submission).

Allele frequency attached by ClinVar (database versions not stated): TOPMed 0.00002; gnomAD 0.00001; gnomAD exomes 0.00001 and 0.00002; ExAC 0.00002.
gnomAD v4.1: 9 of 1,613,398 alleles (0.00056%); highest among the groups gnomAD compares: East Asian, 0.018%; no homozygotes.

Submission:

GeneDx
Classification: Likely benign. Last evaluated: 2018-05-03. Review status: criteria provided, single submitter. Criteria: GeneDx Variant Classification (06012015). Collection method: clinical testing. Allele origin: germline. Affected: yes.
Comment: This variant is considered likely benign or benign based on one or more of the following criteria: it is a conservative change, it occurs at a poorly conserved position in the protein, it is predicted to be benign by multiple in silico algorithms, and/or has population frequency not consistent with disease.

NM_024915.4(GRHL2):c.1152G>A (p.Val384=)

Gene: GRHL2 (grainyhead like transcription factor 2; plus strand). Cytogenetic location: 8q22.3.
Variant type: single nucleotide variant.
Coding change: c.1152G>A on transcript NM_024915.4 (MANE Select); coding-DNA position 1152, G replaced by A.
Protein change: p.Val384=; no amino-acid change (valine 384 retained).
Molecular consequence: synonymous variant.
Genome position (GRCh38, 1-based): chr8:101,619,592, G>A. VCF-style: chr8-101619592-G-A. GRCh37 (hg19) VCF-style: chr8-102631820-G-A.
Other names: c.1104G>A, p.Val368= (NM_001330593.2).
Identifiers: ClinVar variation 682344 (VCV000682344.1), dbSNP rs776545912, ClinGen allele CA4830497.